The following is an entry in ClinVar:

NM_001365999.1(SZT2):c.721A>C (p.Ile241Leu)

Gene: SZT2 (SZT2 subunit of KICSTOR complex; plus strand). Cytogenetic location: 1p34.2.
Variant type: single nucleotide variant.
Coding change: c.721A>C on transcript NM_001365999.1 (MANE Select); coding-DNA position 721, A replaced by C.
Protein change: p.Ile241Leu; replaces isoleucine 241 with leucine.
Molecular consequence: missense variant.
Genome position (GRCh38, 1-based): chr1:43,416,050, A>C. VCF-style: chr1-43416050-A-C. GRCh37 (hg19) VCF-style: chr1-43881721-A-C.
Other names: c.721A>C, p.Ile241Leu (NM_015284.4); short protein forms I241L.
Identifiers: ClinVar variation 1905735 (VCV001905735.2), dbSNP rs1473898857, ClinGen allele CA340002407.

ClinVar aggregate classification (germline): Uncertain significance (1 of 4 stars; one submission).

Allele frequency attached by ClinVar (database versions not stated): gnomAD exomes below 0.00001.
gnomAD v4.1: 3 of 1,598,360 alleles (0.00019%); highest among the groups gnomAD compares: Non-Finnish European, 0.00025%; no homozygotes.

Submission:

Labcorp Genetics (formerly Invitae), Labcorp
Classification: Uncertain significance. Last evaluated: 2022-05-03. Review status: criteria provided, single submitter. Criteria: Invitae Variant Classification Sherloc (09022015). Collection method: clinical testing. Allele origin: germline.
Comment: This sequence change replaces isoleucine, which is neutral and non-polar, with leucine, which is neutral and non-polar, at codon 241 of the SZT2 protein (p.Ile241Leu). This variant is present in population databases (no rsID available, gnomAD 0.007%). This variant has not been reported in the literature in individuals affected with SZT2-related conditions. Algorithms developed to predict the effect of missense changes on protein structure and function (SIFT, PolyPhen-2, Align-GVGD) all suggest that this variant is likely to be tolerated. In summary, the available evidence is currently insufficient to determine the role of this variant in disease. Therefore, it has been classified as a Variant of Uncertain Significance.